The following is an entry in ClinVar:

NM_000521.4(HEXB):c.1425GAAACA[1] (p.476KQ[1])

Gene: HEXB (hexosaminidase subunit beta; plus strand). Cytogenetic location: 5q13.3.
Variant type: Microsatellite.
Coding change: c.1425GAAACA[1] on transcript NM_000521.4 (MANE Select); one copy of the 6-base unit GAAACA starting at c.1425; the reference has two copies in a row; one copy, 6 bases deleted.
Protein change: p.476KQ[1].
Molecular consequence: inframe deletion.
Genome position (GRCh38, 1-based): chr5:74,720,441-74,720,446, GAAACA deleted; deleting any 6 consecutive bases within chr5:74,720,433-74,720,446 gives the same sequence; the position shown is the placement nearest the transcript's 3' end. VCF-style (leftmost placement, unchanged base first): chr5-74720432-TCAGAAA-T. GRCh37 (hg19) VCF-style: chr5-74016257-TCAGAAA-T.
Other names: c.750GAAACA[1], p.251KQ[1] (NM_001292004.2); c.1431_1436delGAAACA (NM_000521.3).
Identifiers: ClinVar variation 553043 (VCV000553043.6), dbSNP rs750595127, ClinGen allele CA3306150.
Genomic context (GRCh38, chr5:74,720,432, plus strand): 5'-TTGCCTCTGTGTATAAGCTTTGAACTTCTGAACTTAATTCAATGATTTTAATTTAGGTAC[TCAGAAA>T]CAGAAACAACTTTTCATTGGTGGAGAAGCTTGTCTATGGGGAGAATATGTGGATGCAACT-3'

ClinVar aggregate classification (germline): Uncertain significance. Review status: criteria provided, multiple submitters, no conflicts (2 of 4 stars). 4 submissions from 4 submitters: Uncertain significance (3). 1 of the submissions does not count toward it. Last evaluated 2025-09-24.

Conditions:
HEXB-related disorder. Also called: HEXB-related condition.
Sandhoff disease. Also called: Beta-hexosaminidase-beta-subunit deficiency; GM2 gangliosidosis, type 2; Total hexosaminidase deficiency; Sandhoff-Jatzkewitz-Pilz disease; GM2-GANGLIOSIDOSIS, TYPE II; HEXOSAMINIDASES A AND B DEFICIENCY. Identifiers: Orphanet 796, MedGen C0036161, MONDO:0010006, OMIM 268800.
Inborn genetic diseases. Identifiers: MedGen C0950123, MeSH D030342.

Submissions (4):

PreventionGenetics, part of Exact Sciences
Classification: Uncertain significance for HEXB-related condition. Last evaluated: 2025-09-24. Review status: criteria provided, single submitter. Criteria: ACMG Guidelines, 2015. Collection method: clinical testing. Allele origin: germline.
Comment: The HEXB c.1431_1436del6 variant is predicted to result in an in-frame deletion (p.Lys478_Gln479del). To our knowledge, this variant has not been reported in the literature. This variant is reported in 0.015% of alleles in individuals of East Asian descent in gnomAD. At this time, the clinical significance of this variant is uncertain due to the absence of conclusive functional and genetic evidence.

Ambry Genetics
Classification: Uncertain significance for Inborn genetic diseases. Last evaluated: 2021-09-22. Review status: criteria provided, single submitter. Criteria: Ambry Variant Classification Scheme 2023. Collection method: clinical testing. Allele origin: germline.
Comment: The c.1431_1436delGAAACA (p.K478_Q479del) alteration is located in exon 12 (coding exon 12) of the HEXB gene. This alteration consists of an in-frame deletion of 6 nucleotides between nucleotide positions c.1431 and c.1436, resulting in the deletion of <NA> residues. Based on insufficient or conflicting evidence, the clinical significance of this alteration remains unclear.

Breakthrough Genomics
Classification: Uncertain significance. Review status: criteria provided, single submitter. Criteria: ACMG Guidelines, 2015. Collection method: not provided. Allele origin: germline. Inheritance: Autosomal recessive inheritance. Affected: yes.

Counsyl
Classification: Uncertain significance for Sandhoff disease. Last evaluated: 2017-07-25. Review status: no assertion criteria provided. Collection method: clinical testing. Allele origin: unknown. Not counted in ClinVar's aggregate classification.